The following is an entry in ClinVar:

ClinVar aggregate classification (germline): Uncertain significance (1 of 4 stars; one submission).

Conditions:
Epidermolysis bullosa simplex 5C, with pyloric atresia (EBS5C). Also called: PLEC-Related Epidermolysis Bullosa with Pyloric Atresia; Epidermolysis bullosa simplex with pyloric atresia; PLEC1-Related Epidermolysis Bullosa with Pyloric Atresia. Identifiers: Orphanet 158684, MedGen C2677349, MONDO:0012807, OMIM 612138.
Autosomal recessive limb-girdle muscular dystrophy type 2Q (LGMDR17). Also called: MUSCULAR DYSTROPHY, LIMB-GIRDLE, AUTOSOMAL RECESSIVE 17. Identifiers: Orphanet 254361, MedGen C3150989, MONDO:0013390, OMIM 613723.
Epidermolysis bullosa simplex 5B, with muscular dystrophy (EBS5B). Also called: Epidermolysis bullosa simplex with muscular dystrophy; EPIDERMOLYSIS BULLOSA SIMPLEX AND LIMB-GIRDLE MUSCULAR DYSTROPHY. Identifiers: Orphanet 257, MedGen C2931072, MONDO:0009181, OMIM 226670.
Epidermolysis bullosa simplex, Ogna type (EBS5A). Also called: EPIDERMOLYSIS BULLOSA SIMPLEX 5A, OGNA TYPE; Pidermolysis bullosa simplex 5A, Ogna type. Identifiers: Orphanet 79401, MedGen C0432317, MONDO:0007555, OMIM 131950.
Epidermolysis bullosa simplex with nail dystrophy (EBS5D). Identifiers: MedGen C4225309, MONDO:0014661, OMIM 616487.

Allele frequency attached by ClinVar (database versions not stated): gnomAD exomes below 0.00001.
gnomAD v4.1: 1 of 1,613,192 alleles (0.000062%); highest among the groups gnomAD compares: Non-Finnish European, 0.000085%; no homozygotes.

Submission:

Labcorp Genetics (formerly Invitae), Labcorp
Classification: Uncertain significance for Autosomal recessive limb-girdle muscular dystrophy type 2Q; Epidermolysis bullosa simplex, Ogna type; Epidermolysis bullosa simplex with nail dystrophy; Epidermolysis bullosa simplex 5C, with pyloric atresia; Epidermolysis bullosa simplex 5B, with muscular dystrophy. Last evaluated: 2024-09-30. Review status: criteria provided, single submitter. Criteria: Invitae Variant Classification Sherloc (09022015). Collection method: clinical testing. Allele origin: germline.
Comment: This sequence change replaces aspartic acid, which is acidic and polar, with glutamic acid, which is acidic and polar, at codon 362 of the PLEC protein (p.Asp362Glu). This variant is not present in population databases (gnomAD no frequency). This variant has not been reported in the literature in individuals affected with PLEC-related conditions. ClinVar contains an entry for this variant (Variation ID: 1715815). Invitae Evidence Modeling of protein sequence and biophysical properties (such as structural, functional, and spatial information, amino acid conservation, physicochemical variation, residue mobility, and thermodynamic stability) indicates that this missense variant is not expected to disrupt PLEC protein function with a negative predictive value of 80%. In summary, the available evidence is currently insufficient to determine the role of this variant in disease. Therefore, it has been classified as a Variant of Uncertain Significance.

NM_201384.3(PLEC):c.1005C>G (p.Asp335Glu)

Gene: PLEC (plectin; minus strand). Cytogenetic location: 8q24.3.
Variant type: single nucleotide variant.
Coding change: c.1005C>G on transcript NM_201384.3 (MANE Select); coding-DNA position 1005, C replaced by G.
Protein change: p.Asp335Glu; replaces aspartic acid 335 with glutamic acid.
Molecular consequence: missense variant.
Genome position (GRCh38, 1-based): chr8:143,934,671, G>C on the plus strand (C>G on the coding strand, the complement: PLEC is on the minus strand). VCF-style: chr8-143934671-G-C. GRCh37 (hg19) VCF-style: chr8-145008839-G-C.
Other names: c.1086C>G, p.Asp362Glu (NM_000445.5, NM_001410941.1); c.963C>G, p.Asp321Glu (NM_201378.4); c.939C>G, p.Asp313Glu (NM_201379.3); c.1416C>G, p.Asp472Glu (NM_201380.4); c.909C>G, p.Asp303Glu (NM_201381.3); c.1005C>G, p.Asp335Glu (NM_201382.4); c.1017C>G, p.Asp339Glu (NM_201383.3); short protein forms D303E, D313E, D321E, D335E, D339E, D362E, D472E.
Identifiers: ClinVar variation 1715815 (VCV001715815.6), dbSNP rs1828483090, ClinGen allele CA372585412.